The following is an entry in ClinVar:

NM_000039.3(APOA1):c.576C>G (p.Asp192Glu)

Gene: APOA1 (apolipoprotein A1; minus strand). Cytogenetic location: 11q23.3.
Variant type: single nucleotide variant.
Coding change: c.576C>G on transcript NM_000039.3 (MANE Select); coding-DNA position 576, C replaced by G.
Protein change: p.Asp192Glu; replaces aspartic acid 192 with glutamic acid.
Molecular consequence: missense variant.
Genome position (GRCh38, 1-based): chr11:116,836,036, G>C on the plus strand (C>G on the coding strand, the complement: APOA1 is on the minus strand). VCF-style: chr11-116836036-G-C. GRCh37 (hg19) VCF-style: chr11-116706752-G-C.
Other names: c.249C>G, p.Asp83Glu (NM_001318021.2); c.576C>G, p.Asp192Glu (NM_001318017.2, NM_001318018.2); short protein forms D192E, D83E.
Identifiers: ClinVar variation 1749522 (VCV001749522.5), dbSNP rs772355721, ClinGen allele CA6289781.

ClinVar aggregate classification (germline): Conflicting classifications of pathogenicity. Review status: criteria provided, conflicting classifications (1 of 4 stars). 2 submissions from 2 submitters: Uncertain significance (1); Likely benign (1). Last evaluated 2022-11-15.

Conditions:
Cardiovascular phenotype. Identifiers: MedGen CN230736.

Allele frequency attached by ClinVar (database versions not stated): ExAC 0.00001; gnomAD 0.00001.
gnomAD v4.1: 13 of 1,606,042 alleles (0.00081%); highest among the groups gnomAD compares: Admixed American, 0.0017%; no homozygotes.

Submissions (2):

Labcorp Genetics (formerly Invitae), Labcorp
Classification: Uncertain significance. Last evaluated: 2022-11-15. Review status: criteria provided, single submitter. Criteria: Invitae Variant Classification Sherloc (09022015). Collection method: clinical testing. Allele origin: germline.
Comment: This sequence change replaces aspartic acid, which is acidic and polar, with glutamic acid, which is acidic and polar, at codon 192 of the APOA1 protein (p.Asp192Glu). This variant is present in population databases (rs772355721, gnomAD 0.003%). This variant has not been reported in the literature in individuals affected with APOA1-related conditions. Advanced modeling of protein sequence and biophysical properties (such as structural, functional, and spatial information, amino acid conservation, physicochemical variation, residue mobility, and thermodynamic stability) performed at Invitae indicates that this missense variant is not expected to disrupt APOA1 protein function. In summary, the available evidence is currently insufficient to determine the role of this variant in disease. Therefore, it has been classified as a Variant of Uncertain Significance.

Ambry Genetics
Classification: Likely benign for Cardiovascular phenotype. Last evaluated: 2022-01-06. Review status: criteria provided, single submitter. Criteria: Ambry Variant Classification Scheme 2023. Collection method: clinical testing. Allele origin: germline.